The following is an entry in ClinVar:

NM_001292063.2(OTOG):c.1984C>T (p.Pro662Ser)

Gene: OTOG (otogelin; plus strand). Cytogenetic location: 11p15.1.
Variant type: single nucleotide variant.
Coding change: c.1984C>T on transcript NM_001292063.2 (MANE Select); coding-DNA position 1984, C replaced by T.
Protein change: p.Pro662Ser; replaces proline 662 with serine.
Molecular consequence: missense variant.
Genome position (GRCh38, 1-based): chr11:17,572,108, C>T. VCF-style: chr11-17572108-C-T. GRCh37 (hg19) VCF-style: chr11-17593655-C-T.
Other names: c.2020C>T, p.Pro674Ser (NM_001277269.2); short protein forms P674S, P662S.
Identifiers: ClinVar variation 517441 (VCV000517441.19), dbSNP rs547173007, ClinGen allele CA5905559.

ClinVar aggregate classification (germline): Conflicting classifications of pathogenicity. Review status: criteria provided, conflicting classifications (1 of 4 stars). 5 submissions from 5 submitters: Uncertain significance (2); Likely benign (2). 1 of the submissions does not count toward it. Last evaluated 2026-04-01.

Conditions:
OTOG-related disorder. Also called: OTOG-related condition.

Allele frequency attached by ClinVar (database versions not stated): 1000 Genomes Project 0.00020; 1000 Genomes Project 30x 0.00031; gnomAD 0.00033 and 0.00036; TOPMed 0.00034; gnomAD exomes 0.00080; ExAC 0.00195.
gnomAD v4.1: 678 of 1,550,430 alleles (0.044%); highest among the groups gnomAD compares: South Asian, 0.24%; 4 homozygotes.

Submissions (5):

CeGaT Center for Human Genetics Tuebingen
Classification: Likely benign. Last evaluated: 2026-04-01. Review status: criteria provided, single submitter. Criteria: CeGaT Center For Human Genetics Tuebingen Variant Classification Criteria Version 2. Collection method: clinical testing. Allele origin: germline. Affected: yes. Observed: 1 variant allele.
Comment: OTOG: BS2

Labcorp Genetics (formerly Invitae), Labcorp
Classification: Likely benign. Last evaluated: 2025-11-05. Review status: criteria provided, single submitter. Criteria: Invitae Variant Classification Sherloc (09022015). Collection method: clinical testing. Allele origin: germline.

GeneDx
Classification: Uncertain significance. Last evaluated: 2021-07-23. Review status: criteria provided, single submitter. Criteria: GeneDx Variant Classification Process June 2021. Collection method: clinical testing. Allele origin: germline. Affected: yes.
Comment: In silico analysis supports that this missense variant has a deleterious effect on protein structure/function; Has not been previously published as pathogenic or benign to our knowledge

Laboratory for Molecular Medicine, Mass General Brigham Personalized Medicine
Classification: Uncertain significance. Last evaluated: 2017-07-05. Review status: criteria provided, single submitter. Criteria: LMM Criteria. Collection method: clinical testing. Allele origin: germline. Observed: 1 variant allele.
Comment: Variant classified as Uncertain Significance - Favor Benign. The p.Pro674Ser var iant in OTOG has not been previously reported in individuals with hearing loss, but has been identified in 0.26% (58/22594) of South Asian chromosomes including 1 homozygote by the Genome Aggregation Database (gnomAD; dbSNP rs547173007). Although this variant has been seen in the gene ral population, its frequency is not high enough to rule out a pathogenic role. Computational prediction tools and conservation analyses do not provide strong s upport for or against an impact to the protein. In summary, while the clinical s ignificance of the p.Pro674Ser variant is uncertain, its frequency suggests that it is more likely to be benign.

PreventionGenetics, part of Exact Sciences
Classification: Likely benign for OTOG-related condition. Last evaluated: 2023-05-03. Review status: no assertion criteria provided. Collection method: clinical testing. Allele origin: germline. Not counted in ClinVar's aggregate classification.
Comment: This variant is classified as likely benign based on ACMG/AMP sequence variant interpretation guidelines (Richards et al. 2015 PMID: 25741868, with internal and published modifications).